The following is an entry in ClinVar:

NM_022124.6(CDH23):c.7359C>T (p.Thr2453=)

Gene: CDH23 (cadherin related 23; plus strand). Cytogenetic location: 10q22.1.
Variant type: single nucleotide variant.
Coding change: c.7359C>T on transcript NM_022124.6 (MANE Select); coding-DNA position 7359, C replaced by T.
Protein change: p.Thr2453=; no amino-acid change (threonine 2453 retained).
Molecular consequence: synonymous variant.
Genome position (GRCh38, 1-based): chr10:71,799,626, C>T. VCF-style: chr10-71799626-C-T. GRCh37 (hg19) VCF-style: chr10-73559383-C-T.
Other names: c.639C>T, p.Thr213= (NM_001171933.1, NM_001171934.1).
Identifiers: ClinVar variation 1141671 (VCV001141671.32), dbSNP rs1328633540, ClinGen allele CA470062227.

ClinVar aggregate classification (germline): Likely benign. Review status: criteria provided, multiple submitters, no conflicts (2 of 4 stars). 2 submissions from 2 submitters: Likely benign (2). Last evaluated 2025-05-30.

Allele frequency attached by ClinVar (database versions not stated): gnomAD exomes below 0.00001.
gnomAD v4.1: 2 of 1,614,060 alleles (0.00012%); highest among the groups gnomAD compares: Admixed American, 0.0017%; no homozygotes.

Submissions (2):

Labcorp Genetics (formerly Invitae), Labcorp
Classification: Likely benign. Last evaluated: 2025-05-30. Review status: criteria provided, single submitter. Criteria: Invitae Variant Classification Sherloc (09022015). Collection method: clinical testing. Allele origin: germline.

CeGaT Center for Human Genetics Tuebingen
Classification: Likely benign. Last evaluated: 2022-09-01. Review status: criteria provided, single submitter. Criteria: CeGaT Center For Human Genetics Tuebingen Variant Classification Criteria Version 2. Collection method: clinical testing. Allele origin: germline. Affected: yes. Observed: 1 variant allele.
Comment: CDH23: PM2:Supporting, BP4, BP7